The following is an entry in ClinVar:

ClinVar aggregate classification (germline): Benign/Likely benign. Review status: criteria provided, multiple submitters, no conflicts (2 of 4 stars). 5 submissions from 4 submitters: Benign (4); Likely benign (1). Last evaluated 2024-11-27.

Conditions:
Leigh syndrome (NULS). Also called: Leigh Disease; Subacute necrotizing encephalopathy; Necrotizing encephalopathy infantile subacute of Leigh; Leigh Syndrome (mtDNA deletion); Leigh's necrotizing encephalopathy; Leigh's disease. Identifiers: Orphanet 506, MedGen C2931891, MONDO:0009723, OMIM 256000.
Mitochondrial complex IV deficiency, nuclear type 1 (MC4DN1). Also called: Mitochondrial complex IV deficiency; Complex 4 mitochondrial respiratory chain deficiency; Deficiency of mitochondrial respiratory chain complex4; Complex IV deficiency; COX DEFICIENCY. Identifiers: MedGen C5435656, MONDO:0700250, OMIM 220110. Disease mechanism: loss of function.

Allele frequency attached by ClinVar (database versions not stated): gnomAD 0.04100 and 0.04303; 1000 Genomes Project 30x 0.12117; ESP Exome Variant Server 0.14670; gnomAD exomes 0.16554; ExAC 0.18706.

Submissions (5):

Blueprint Genetics
Classification: Likely benign. Last evaluated: 2024-11-27. Review status: criteria provided, single submitter. Criteria: ACMG Guidelines, 2015. Collection method: clinical testing. Allele origin: germline.

Illumina Laboratory Services, Illumina
Classification: Benign for Mitochondrial complex IV deficiency, nuclear type 1. Last evaluated: 2018-01-13. Review status: criteria provided, single submitter. Criteria: ICSL Variant Classification Criteria 13 December 2019. Collection method: clinical testing. Allele origin: germline.
Comment: This variant was observed in the ICSL laboratory as part of a predisposition screen in an ostensibly healthy population. It had not been previously curated by ICSL or reported in the Human Gene Mutation Database (HGMD: prior to June 1st, 2018), and was therefore a candidate for classification through an automated scoring system. Utilizing variant allele frequency, disease prevalence and penetrance estimates, and inheritance mode, an automated score was calculated to assess if this variant is too frequent to cause the disease. Based on the score and internal cut-off values, a variant classified as benign is not then subjected to further curation. The score for this variant resulted in a classification of benign for this disease.

Illumina Laboratory Services, Illumina
Classification: Benign for Leigh syndrome. Last evaluated: 2018-01-13. Review status: criteria provided, single submitter. Criteria: ICSL Variant Classification Criteria 13 December 2019. Collection method: clinical testing. Allele origin: germline.
Comment: the same text as in the submission from Illumina Laboratory Services, Illumina above.

GeneDx
Classification: Benign. Last evaluated: 2011-07-01. Review status: criteria provided, single submitter. Criteria: GeneDx Variant Classification (06012015). Collection method: clinical testing. Allele origin: germline. Affected: yes.
Comment: This variant is considered likely benign or benign based on one or more of the following criteria: it is a conservative change, it occurs at a poorly conserved position in the protein, it is predicted to be benign by multiple in silico algorithms, and/or has population frequency not consistent with disease.

Breakthrough Genomics
Classification: Benign. Review status: criteria provided, single submitter. Criteria: ACMG Guidelines, 2015. Collection method: not provided. Allele origin: germline. Inheritance: Autosomal recessive inheritance. Affected: yes.

NM_001303.4(COX10):c.928+12G>A

Genes: COX10 (cytochrome c oxidase assembly factor heme A:farnesyltransferase COX10; plus strand), LOC105943586 (distal CMT1A-REP; plus strand). Cytogenetic location: 17p12.
Variant type: single nucleotide variant.
Coding change: c.928+12G>A on transcript NM_001303.4 (MANE Select); 12 bases into the intron after coding-DNA position 928, G replaced by A.
Molecular consequence: intron variant.
Genome position (GRCh38, 1-based): chr17:14,192,233, G>A. VCF-style: chr17-14192233-G-A. GRCh37 (hg19) VCF-style: chr17-14095550-G-A.
Identifiers: ClinVar variation 136998 (VCV000136998.7), dbSNP rs200573622, ClinGen allele CA290459.